The following is an entry in ClinVar:

NM_004006.3(DMD):c.8039G>T (p.Arg2680Leu)

Gene: DMD (dystrophin; minus strand). Cytogenetic location: Xp21.1.
Variant type: single nucleotide variant.
Coding change: c.8039G>T on transcript NM_004006.3 (MANE Select); coding-DNA position 8039, G replaced by T.
Protein change: p.Arg2680Leu; replaces arginine 2680 with leucine.
Molecular consequence: missense variant.
Genome position (GRCh38, 1-based): chrX:31,627,851, C>A on the plus strand (G>T on the coding strand, the complement: DMD is on the minus strand). VCF-style: chrX-31627851-C-A. GRCh37 (hg19) VCF-style: chrX-31645968-C-A.
Other names: c.8015G>T, p.Arg2672Leu (NM_000109.4); c.8027G>T, p.Arg2676Leu (NM_004009.3); c.7670G>T, p.Arg2557Leu (NM_004010.3); c.4016G>T, p.Arg1339Leu (NM_004011.4); c.4007G>T, p.Arg1336Leu (NM_004012.4); c.659G>T, p.Arg220Leu (NM_004013.3, NM_004020.4, NM_004021.3 and 2 more transcripts); short protein forms R1339L, R220L, R2672L, R2557L, R1336L, R2676L, R2680L.
Identifiers: ClinVar variation 1379382 (VCV001379382.7), dbSNP rs778303577, ClinGen allele CA10378146.
Genomic context (GRCh38, chrX:31,627,851, plus strand): 5'-TTTTCCAGGTCCAGGGGGAACTGTTGCAGTAATCTATGAGTTTCTTCCAAAGCAGCCTCT[C>A]GCTCACTCACCCTGCAAAGGACCAAATGTTCAGATGCAATTATTAAATATCAGAATGGTG-3'
Protein context (NP_003997.2, residues 2670-2690): WRSIHKRVSE[Arg2680Leu]EAALEETHRL

ClinVar aggregate classification (germline): Uncertain significance (1 of 4 stars; one submission).

Conditions:
Duchenne muscular dystrophy (DMD). Also called: MUSCULAR DYSTROPHY, PSEUDOHYPERTROPHIC PROGRESSIVE, DUCHENNE TYPE; Duchenne Muscular Dystrophy (DMD). Identifiers: Orphanet 98896, MedGen C0013264, MONDO:0010679, OMIM 310200.

gnomAD v4.1: 2 of 1,207,516 alleles (0.00017%); highest among the groups gnomAD compares: South Asian, 0.0036%; no homozygotes.

Submission:

Labcorp Genetics (formerly Invitae), Labcorp
Classification: Uncertain significance for Duchenne muscular dystrophy. Last evaluated: 2024-12-24. Review status: criteria provided, single submitter. Criteria: Invitae Variant Classification Sherloc (09022015). Collection method: clinical testing. Allele origin: germline.
Comment: This sequence change replaces arginine, which is basic and polar, with leucine, which is neutral and non-polar, at codon 2680 of the DMD protein (p.Arg2680Leu). The frequency data for this variant in the population databases is considered unreliable, as metrics indicate poor data quality at this position in the gnomAD database. This variant has not been reported in the literature in individuals affected with DMD-related conditions. ClinVar contains an entry for this variant (Variation ID: 1379382). Invitae Evidence Modeling of protein sequence and biophysical properties (such as structural, functional, and spatial information, amino acid conservation, physicochemical variation, residue mobility, and thermodynamic stability) indicates that this missense variant is not expected to disrupt DMD protein function with a negative predictive value of 95%. In summary, the available evidence is currently insufficient to determine the role of this variant in disease. Therefore, it has been classified as a Variant of Uncertain Significance.